The following is an entry in ClinVar:

NM_000092.5(COL4A4):c.427G>A (p.Gly143Ser)

Gene: COL4A4 (collagen type IV alpha 4 chain; minus strand). Cytogenetic location: 2q36.3.
Variant type: single nucleotide variant.
Coding change: c.427G>A on transcript NM_000092.5 (MANE Select); coding-DNA position 427, G replaced by A.
Protein change: p.Gly143Ser; replaces glycine 143 with serine.
Molecular consequence: missense variant.
Genome position (GRCh38, 1-based): chr2:227,118,707, C>T on the plus strand (G>A on the coding strand, the complement: COL4A4 is on the minus strand). VCF-style: chr2-227118707-C-T. GRCh37 (hg19) VCF-style: chr2-227983423-C-T.
Other names: short protein forms G143S.
Identifiers: ClinVar variation 4817343 (VCV004817343.1).

ClinVar aggregate classification (germline): Likely pathogenic (1 of 4 stars; one submission).

Conditions:
Alport syndrome. Also called: Hemorrhagic familial nephritis; Hemorrhagic hereditary nephritis; Congenital hereditary hematuria. Identifiers: Orphanet 63, MedGen C1567741, MONDO:0018965.

Submission:

Natera, Inc.
Classification: Likely pathogenic for Alport syndrome. Last evaluated: 2025-09-04. Review status: criteria provided, single submitter. Criteria: Natera Variant Classification Schema (03/2026). Collection method: clinical testing. Allele origin: germline.
Comment: The c.427G>A variant in COL4A4 is a missense variant predicted to cause substitution of glycine to serine at amino acid 143. This variant is rare in the general population with a frequency below the threshold expected for the associated phenotype(s). This variant is located in a functionally critical region of the protein. Computational prediction algorithms indicate this variant is likely to affect gene or protein function. Given the available evidence, this variant is classified as Likely Pathogenic.